The following is an entry in ClinVar:

NM_004415.4(DSP):c.7413A>G (p.Pro2471=)

Gene: DSP (desmoplakin; plus strand). Cytogenetic location: 6p24.3.
Variant type: single nucleotide variant.
Coding change: c.7413A>G on transcript NM_004415.4 (MANE Select); coding-DNA position 7413, A replaced by G.
Protein change: p.Pro2471=; no amino-acid change (proline 2471 retained).
Molecular consequence: synonymous variant.
Genome position (GRCh38, 1-based): chr6:7,584,675, A>G. VCF-style: chr6-7584675-A-G. GRCh37 (hg19) VCF-style: chr6-7584908-A-G.
Other names: c.5616A>G, p.Pro1872= (NM_001008844.3); c.6084A>G, p.Pro2028= (NM_001319034.2); c.7413A>G (LRG_423t1).
Identifiers: ClinVar variation 465911 (VCV000465911.15), dbSNP rs772161814, ClinGen allele CA049845.

ClinVar aggregate classification (germline): Likely benign. Review status: criteria provided, multiple submitters, no conflicts (2 of 4 stars). 5 submissions from 5 submitters: Likely benign (5). Last evaluated 2025-03-18.

Conditions:
Arrhythmogenic cardiomyopathy with wooly hair and keratoderma. Also called: Dilated cardiomyopathy with woolly hair and keratoderma; Arrhythmogenic cardiomyopathy with woolly hair and keratoderma; PALMOPLANTAR KERATODERMA WITH LEFT VENTRICULAR CARDIOMYOPATHY AND WOOLLY HAIR; Carvajal syndrome. Identifiers: Orphanet 65282, MedGen C1854063, MONDO:0011581, OMIM 605676.
Arrhythmogenic right ventricular dysplasia 8 (ARVD8). Also called: Arrhythmogenic Right Ventricular Dysplasia/Cardiomyopathy 8; ARRHYTHMOGENIC RIGHT VENTRICULAR DYSPLASIA, FAMILIAL, 8; ARRHYTHMOGENIC RIGHT VENTRICULAR CARDIOMYOPATHY 8. Identifiers: MedGen C1843896, MONDO:0011831, OMIM 607450.
Cardiovascular phenotype. Identifiers: MedGen CN230736.
Cardiomyopathy (CMYO). Also called: Cardiomyopathies. Identifiers: Orphanet 167848, MedGen C0878544, MONDO:0004994, HP:0001638. Inheritance: Various modes of inheritance.

Allele frequency attached by ClinVar (database versions not stated): gnomAD exomes below 0.00001; TOPMed below 0.00001; ExAC 0.00001; gnomAD 0.00001.
gnomAD v4.1: 2 of 1,614,080 alleles (0.00012%); highest among the groups gnomAD compares: Non-Finnish European, 0.00017%; no homozygotes.

Submissions (5):

Labcorp Genetics (formerly Invitae), Labcorp
Classification: Likely benign for Arrhythmogenic cardiomyopathy with wooly hair and keratoderma; Arrhythmogenic right ventricular dysplasia 8. Last evaluated: 2025-03-18. Review status: criteria provided, single submitter. Criteria: Invitae Variant Classification Sherloc (09022015). Collection method: clinical testing. Allele origin: germline.

All of Us Research Program, National Institutes of Health
Classification: Likely benign for Arrhythmogenic cardiomyopathy with wooly hair and keratoderma. Last evaluated: 2023-04-03. Review status: criteria provided, single submitter. Criteria: ACMG Guidelines, 2015. Collection method: clinical testing. Allele origin: germline. Inheritance: Autosomal dominant inheritance. Observed: 1 variant allele, 1 heterozygote.
Comment: This study involves interpretation of variants in research participants for the purpose of population health screening. Participant phenotype was not available at the time of variant classification. Additional details can be found in publication PMID: 35346344, PMCID: PMC8962531

Women's Health and Genetics/Laboratory Corporation of America, LabCorp
Classification: Likely benign. Last evaluated: 2021-03-13. Review status: criteria provided, single submitter. Criteria: LabCorp Variant Classification Summary - May 2015. Collection method: clinical testing. Allele origin: germline.

Ambry Genetics
Classification: Likely benign for Cardiovascular phenotype. Last evaluated: 2019-01-23. Review status: criteria provided, single submitter. Criteria: Ambry Variant Classification Scheme 2023. Collection method: clinical testing. Allele origin: germline.

Color Diagnostics, LLC DBA Color Health
Classification: Likely benign for Cardiomyopathy. Last evaluated: 2018-11-30. Review status: criteria provided, single submitter. Criteria: ACMG Guidelines, 2015. Collection method: clinical testing. Allele origin: germline.